The following is an entry in ClinVar:

NM_012208.4(HARS2):c.386G>A (p.Arg129His)

Gene: HARS2 (histidyl-tRNA synthetase 2, mitochondrial; plus strand). Cytogenetic location: 5q31.3.
Variant type: single nucleotide variant.
Coding change: c.386G>A on transcript NM_012208.4 (MANE Select); coding-DNA position 386, G replaced by A.
Protein change: p.Arg129His; replaces arginine 129 with histidine.
Molecular consequence: missense variant. On other transcripts: intron variant (1).
Genome position (GRCh38, 1-based): chr5:140,694,267, G>A. VCF-style: chr5-140694267-G-A. GRCh37 (hg19) VCF-style: chr5-140073852-G-A.
Other names: c.311G>A, p.Arg104His (NM_001278731.2); c.404G>A, p.Arg135His (NM_001363535.2); c.176G>A, p.Arg59His (NM_001363536.2); c.93+213G>A (NM_001278732.2); short protein forms R104H, R129H, R135H, R59H.
Identifiers: ClinVar variation 3856775 (VCV003856775.3), dbSNP rs151312766.
Genomic context (GRCh38, chr5:140,694,267, plus strand): 5'-GAGAGGACTCTGGGCTCATGTATGATCTGAAGGATCAAGGTGGAGAGCTGTTGTCCCTCC[G>A]CTATGACCTTACTGTATCCTTTTGAGTACTGGAGCCTGACCTGTCTCTTTCCAAATCCAG-3'
Protein context (NP_036340.1, residues 119-139): KDQGGELLSL[Arg129His]YDLTVPFARY

ClinVar aggregate classification (germline): Uncertain significance. Review status: criteria provided, multiple submitters, no conflicts (2 of 4 stars). 2 submissions from 2 submitters: Uncertain significance (2). Last evaluated 2026-04-30.

Conditions:
Perrault syndrome 2 (PRLTS2). Identifiers: Orphanet 2855, Orphanet 642976, MedGen C3554105, MONDO:0013972, OMIM 614926.
Inborn genetic diseases. Identifiers: MedGen C0950123, MeSH D030342.

Submissions (2):

Laboratory of Molecular, Cellular and Translation Genetics in Otolaryngology/ Lim32-hcfmusp, University of Sao Paulo School of Medicine Clinics Hospital
Classification: Uncertain significance for Perrault syndrome 2. Last evaluated: 2026-04-30. Review status: criteria provided, single submitter. Criteria: ACMG Guidelines, 2015. Collection method: research. Allele origin: germline. Affected: yes.
Comment: NM_012208.4.386G>A; p.(Arg129His). This variant has been classified as a variant of uncertain significance (VUS). It is rare in population databases (PM2_supporting), and in silico prediction tools support a deleterious effect on protein function (PP3). The variant has been previously reported in trans with other pathogenic HARS2 variants and shown to segregate with Perrault syndrome in multiple families (PM3_supporting). However, the lack of syndromic features consistent with Perrault syndrome limits the interpretation. Therefore, the available evidence is insufficient to establish a definitive causal role for this variant in the proband as described in PMID: 42233699.

Ambry Genetics
Classification: Uncertain significance for Inborn genetic diseases. Last evaluated: 2024-12-23. Review status: criteria provided, single submitter. Criteria: Ambry Variant Classification Scheme 2023. Collection method: clinical testing. Allele origin: germline.

Literature cited by the submitters: PubMed 42233699 (cited by Laboratory of Molecular, Cellular and Translation Genetics in Otolaryngology/ Lim32-hcfmusp, University of Sao Paulo School of Medicine Clinics Hospital).